The following is an entry in ClinVar:

NC_000005.9:g.(?_161292707)_(161495132_?)del

Genes: GABRA1 (gamma-aminobutyric acid type A receptor subunit alpha1; plus strand), GABRG2 (gamma-aminobutyric acid type A receptor subunit gamma2; plus strand). Cytogenetic location: 5q34.
Variant type: Deletion.
Identifiers: ClinVar variation 1513030 (VCV001513030.7).

ClinVar aggregate classification (germline): Likely pathogenic (1 of 4 stars; one submission).

Conditions:
Epilepsy, childhood absence 4 (ECA4). Also called: EPILEPSY, CHILDHOOD ABSENCE, SUSCEPTIBILITY TO, 4. Identifiers: Orphanet 307, MedGen C1970160.
Epilepsy, idiopathic generalized, susceptibility to, 13. Also called: EPILEPSY, JUVENILE MYOCLONIC, SUSCEPTIBILITY TO, 5. Identifiers: Orphanet 307, Orphanet 64280, MedGen C4013473, MONDO:0012627, OMIM 611136.
Idiopathic generalized epilepsy. Also called: Generalised epilepsy; EIG. Identifiers: MedGen C0270850, MONDO:0005579, OMIM 600669.

Submission:

Labcorp Genetics (formerly Invitae), Labcorp
Classification: Likely pathogenic for Epilepsy, childhood absence 4; Epilepsy, idiopathic generalized, susceptibility to, 13; Idiopathic generalized epilepsy. Last evaluated: 2022-02-02. Review status: criteria provided, single submitter. Criteria: Invitae Variant Classification Sherloc (09022015). Collection method: clinical testing. Allele origin: germline.
Comment: In summary, the currently available evidence indicates that the variant is pathogenic, but additional data are needed to prove that conclusively. Therefore, this variant has been classified as Likely Pathogenic. This variant disrupts the p.Asn414 amino acid residue in GABRA1. Other variant(s) that disrupt this residue have been determined to be pathogenic (Invitae). This suggests that this residue is clinically significant, and that variants that disrupt this residue are likely to be disease-causing. This variant has not been reported in the literature in individuals affected with GABRA1-related conditions. This variant is a gross deletion of the genomic region encompassing exon(s) 5-11 of the GABRA1 gene, which includes the termination codon. This deletion extends beyond the assayed region for this gene and therefore may encompass additional genes. While this deletion is not anticipated to lead to nonsense mediated decay, it is expected to alter mRNA translation or result in a truncated protein product.